The following is an entry in ClinVar:

NM_001378030.1(CCDC78):c.61-6C>A

Gene: CCDC78 (coiled-coil domain containing 78; minus strand). Cytogenetic location: 16p13.3.
Variant type: single nucleotide variant.
Coding change: c.61-6C>A on transcript NM_001378030.1 (MANE Select); 6 bases into the intron before coding-DNA position 61, C replaced by A.
Molecular consequence: intron variant. On other transcripts: non-coding transcript variant (1).
Genome position (GRCh38, 1-based): chr16:726,091, G>T on the plus strand (C>A on the coding strand, the complement: CCDC78 is on the minus strand). VCF-style: chr16-726091-G-T. GRCh37 (hg19) VCF-style: chr16-776091-G-T.
Other names: c.-225-6C>A (NM_001378033.1); c.61-6C>A (NM_001378031.1, NM_001031737.3).
Identifiers: ClinVar variation 2981103 (VCV002981103.4), dbSNP rs964185752, ClinGen allele CA276521091.

ClinVar aggregate classification (germline): Uncertain significance. Review status: criteria provided, multiple submitters, no conflicts (2 of 4 stars). 2 submissions from 2 submitters: Uncertain significance (2). Last evaluated 2023-11-09.

Conditions:
Congenital myopathy with internal nuclei and atypical cores. Also called: Myopathy, centronuclear, 4. Identifiers: Orphanet 319160, MedGen C4707232, MONDO:0013890, OMIM 614807.

Allele frequency attached by ClinVar (database versions not stated): TOPMed 0.00001.

Submissions (2):

Blueprint Genetics
Classification: Uncertain significance. Last evaluated: 2023-11-09. Review status: criteria provided, single submitter. Criteria: ACMG Guidelines, 2015. Collection method: clinical testing. Allele origin: germline.

Labcorp Genetics (formerly Invitae), Labcorp
Classification: Uncertain significance for Congenital myopathy with internal nuclei and atypical cores. Last evaluated: 2023-03-25. Review status: criteria provided, single submitter. Criteria: Invitae Variant Classification Sherloc (09022015). Collection method: clinical testing. Allele origin: germline.
Comment: This sequence change falls in intron 1 of the CCDC78 gene. It does not directly change the encoded amino acid sequence of the CCDC78 protein. This variant is not present in population databases (gnomAD no frequency). This variant has not been reported in the literature in individuals affected with CCDC78-related conditions. Algorithms developed to predict the effect of sequence changes on RNA splicing suggest that this variant may disrupt the consensus splice site. In summary, the available evidence is currently insufficient to determine the role of this variant in disease. Therefore, it has been classified as a Variant of Uncertain Significance.